The following is an entry in ClinVar:

NM_000478.6(ALPL):c.586G>A (p.Ala196Thr)

Gene: ALPL (alkaline phosphatase, biomineralization associated; plus strand). Cytogenetic location: 1p36.12.
Variant type: single nucleotide variant.
Coding change: c.586G>A on transcript NM_000478.6 (MANE Select); coding-DNA position 586, G replaced by A.
Protein change: p.Ala196Thr; replaces alanine 196 with threonine.
Molecular consequence: missense variant.
Genome position (GRCh38, 1-based): chr1:21,564,154, G>A. VCF-style: chr1-21564154-G-A. GRCh37 (hg19) VCF-style: chr1-21890647-G-A.
Other names: c.421G>A, p.Ala141Thr (NM_001127501.4); c.355G>A, p.Ala119Thr (NM_001177520.3); c.586G>A, p.Ala196Thr (NM_001369803.2, NM_001369804.2, NM_001369805.2); short protein forms A196T, A141T, A119T.
Identifiers: ClinVar variation 387919 (VCV000387919.3), dbSNP rs1057522942, ClinGen allele CA16603568.

ClinVar aggregate classification (germline): Uncertain significance. Review status: criteria provided, single submitter (1 of 4 stars). 2 submissions from 2 submitters: Uncertain significance (1). 1 of the submissions does not count toward it. Last evaluated 2016-07-25.

Conditions:
Hypophosphatasia. Also called: Phosphoethanol-aminuria. Identifiers: Orphanet 436, MedGen C0020630, MeSH D007014, MONDO:0018570.

Allele frequency attached by ClinVar (database versions not stated): TOPMed below 0.00001.

Submissions (2):

GeneDx
Classification: Uncertain significance. Last evaluated: 2016-07-25. Review status: criteria provided, single submitter. Criteria: GeneDx Variant Classification (06012015). Collection method: clinical testing. Allele origin: germline. Affected: yes.
Comment: The A196T variant in the ALPL gene has not been reported previously as a pathogenic variant, nor as a benign variant, to our knowledge. This variant was not observed in approximately 6500 individuals of European and African American ancestry in the NHLBI Exome Sequencing Project, indicating it is not a common benign variant in these populations. The A196T variant is a non-conservative amino acid substitution, which is likely to impact secondary protein structure as these residues differ in polarity, charge, size and/or other properties. This substitution occurs at a position that is conserved across species, and in silico analysis predicts this variant is probably damaging to the protein structure/function. We interpret A196T as a variant of uncertain significance.

Natera, Inc.
Classification: Uncertain significance for Hypophosphatasia. Last evaluated: 2020-12-01. Review status: no assertion criteria provided. Collection method: clinical testing. Allele origin: germline. Not counted in ClinVar's aggregate classification.